The following is an entry in ClinVar:

NM_000545.8(HNF1A):c.225C>A (p.Asp75Glu)

Gene: HNF1A (HNF1 homeobox A; plus strand). Cytogenetic location: 12q24.31.
Variant type: single nucleotide variant.
Coding change: c.225C>A on transcript NM_000545.8 (MANE Select); coding-DNA position 225, C replaced by A.
Protein change: p.Asp75Glu; replaces aspartic acid 75 with glutamic acid.
Molecular consequence: missense variant.
Genome position (GRCh38, 1-based): chr12:120,978,993, C>A. VCF-style: chr12-120978993-C-A. GRCh37 (hg19) VCF-style: chr12-121416796-C-A.
Other names: NM_001306179.2:c.225C>A; c.225C>A, p.Asp75Glu (NM_001306179.2); c.225C>A (NM_000545.5); short protein forms D75E.
Identifiers: ClinVar variation 1676700 (VCV001676700.5), dbSNP rs202180554, ClinGen allele CA386953852.

ClinVar aggregate classification (germline): Uncertain significance. Review status: reviewed by expert panel (3 of 4 stars). 2 submissions from 2 submitters: Uncertain significance (1). 1 of the submissions does not count toward it. Last evaluated 2025-11-26.

Conditions:
Monogenic diabetes. Identifiers: Orphanet 183625, MedGen C3888631, MONDO:0015967.

gnomAD v4.1: 7 of 1,608,788 alleles (0.00044%); highest among the groups gnomAD compares: Admixed American, 0.0017%; no homozygotes.

Submissions (2):

ClinGen Monogenic Diabetes Variant Curation Expert Panel
Classification: Uncertain significance for Monogenic diabetes. Last evaluated: 2025-11-26. Review status: reviewed by expert panel. Criteria: ClinGen Diabetes ACMG Specifications HNF1A V3.1.0. Collection method: curation. Allele origin: germline. Inheritance: Autosomal dominant inheritance.
Comment: The c.225C>A variant in the HNF1 homeobox A gene, HNF1A, causes an amino acid change of asparagine to glutamate at codon 75 (p.(Asp75Glu)) of NM_000545.8. This variant has a gnomAD v4.1.0 Grpmax filtering allele frequency of 0.000001240, which is below the ClinGen MDEP threshold of 0.000003 (PM2_Supporting). This variant has a REVEL score of 0.564, which is between the ClinGen MDEP thresholds for BP4 and PP3, predicting neither a damaging nor benign impact on HNF1A function. The nucleotide change c.225C>G, which causes the same amino acid change, has been classified as a VUS by the ClinGen MDEP; therefore, PS1 does not apply. In summary, c.225C>A meets the criteria to be classified as a variant of uncertain significance for monogenic diabetes. ACMG/AMP criteria applied, as specified by the ClinGen MDEP (specification version 3.1.0, approved 10/10/2025): PM2_Supporting.

GeneDx
Classification: Uncertain significance. Last evaluated: 2024-03-04. Review status: criteria provided, single submitter. Criteria: GeneDx Variant Classification Process June 2021. Collection method: clinical testing. Allele origin: germline. Affected: yes. Not counted in ClinVar's aggregate classification.
Comment: Reported in a patient with MODY in published literature; however, clinical data is not available (PMID: 18003757); Not observed at a significant frequency in large population cohorts (gnomAD); In silico analysis supports that this missense variant does not alter protein structure/function; This variant is associated with the following publications: (PMID: 18003757)